The following is an entry in ClinVar:

ClinVar aggregate classification (germline): Uncertain significance (1 of 4 stars; one submission).

Allele frequency attached by ClinVar (database versions not stated): gnomAD 0.00001.
gnomAD v4.1: 1 of 1,613,428 alleles (0.000062%); highest among the groups gnomAD compares: African/African-American, 0.0013%; no homozygotes.

Submission:

Labcorp Genetics (formerly Invitae), Labcorp
Classification: Uncertain significance. Last evaluated: 2023-05-22. Review status: criteria provided, single submitter. Criteria: Invitae Variant Classification Sherloc (09022015). Collection method: clinical testing. Allele origin: germline.
Comment: In summary, the available evidence is currently insufficient to determine the role of this variant in disease. Therefore, it has been classified as a Variant of Uncertain Significance. Algorithms developed to predict the effect of sequence changes on RNA splicing suggest that this variant may create or strengthen a splice site. Advanced modeling of protein sequence and biophysical properties (such as structural, functional, and spatial information, amino acid conservation, physicochemical variation, residue mobility, and thermodynamic stability) performed at Invitae indicates that this missense variant is not expected to disrupt POLR1C protein function. ClinVar contains an entry for this variant (Variation ID: 1501020). This variant has not been reported in the literature in individuals affected with POLR1C-related conditions. This variant is present in population databases (no rsID available, gnomAD 0.01%). This sequence change replaces aspartic acid with glycine at codon 304 of the POLR1C protein (p.Asp304Gly). The aspartic acid residue is moderately conserved and there is a moderate physicochemical difference between aspartic acid and glycine.

NM_203290.4(POLR1C):c.911A>G (p.Asp304Gly)

Gene: POLR1C (RNA polymerase I and III subunit C; plus strand). Cytogenetic location: 6p21.1.
Variant type: single nucleotide variant.
Coding change: c.911A>G on transcript NM_203290.4 (MANE Select); coding-DNA position 911, A replaced by G.
Protein change: p.Asp304Gly; replaces aspartic acid 304 with glycine.
Molecular consequence: missense variant.
Genome position (GRCh38, 1-based): chr6:43,521,037, A>G. VCF-style: chr6-43521037-A-G. GRCh37 (hg19) VCF-style: chr6-43488775-A-G.
Other names: c.911A>G, p.Asp304Gly (NM_001318876.2, NM_001363658.2); short protein forms D304G.
Identifiers: ClinVar variation 1501020 (VCV001501020.5), dbSNP rs1420105572, ClinGen allele CA364285192.